The following is an entry in ClinVar:

NM_003412.4(ZIC1):c.-16G>T

Gene: ZIC1 (Zic family zinc finger 1; plus strand). Cytogenetic location: 3q24.
Variant type: single nucleotide variant.
Coding change: c.-16G>T on transcript NM_003412.4 (MANE Select); 16 bases upstream of the start codon, G replaced by T.
Molecular consequence: 5 prime UTR variant.
Genome position (GRCh38, 1-based): chr3:147,410,097, G>T. VCF-style: chr3-147410097-G-T. GRCh37 (hg19) VCF-style: chr3-147127884-G-T.
Identifiers: ClinVar variation 4689359 (VCV004689359.1).

ClinVar aggregate classification (germline): Uncertain significance (1 of 4 stars; one submission).

Submission:

Women's Health and Genetics/Laboratory Corporation of America, LabCorp
Classification: Uncertain significance. Last evaluated: 2026-01-27. Review status: criteria provided, single submitter. Criteria: LabCorp Variant Classification Summary - May 2015. Collection method: clinical testing. Allele origin: germline.
Comment: Variant summary: ZIC1 c.-16G>T is located in the untranslated mRNA region upstream of the initiation codon. The variant was absent in 31324 control chromosomes. The available data on variant occurrences in the general population are insufficient to allow any conclusion about variant significance. To our knowledge, no occurrence of c.-16G>T in individuals affected with ZIC1-related conditions and no experimental evidence demonstrating its impact on protein function have been reported. No submitters have cited clinical-significance assessments for this variant to ClinVar. Based on the evidence outlined above, the variant was classified as uncertain significance.